The following is an entry in ClinVar:

NM_004519.4(KCNQ3):c.2330G>T (p.Arg777Leu)

Gene: KCNQ3 (potassium voltage-gated channel subfamily Q member 3; minus strand). Cytogenetic location: 8q24.22.
Variant type: single nucleotide variant.
Coding change: c.2330G>T on transcript NM_004519.4 (MANE Select); coding-DNA position 2330, G replaced by T.
Protein change: p.Arg777Leu; replaces arginine 777 with leucine.
Molecular consequence: missense variant.
Genome position (GRCh38, 1-based): chr8:132,129,551, C>A on the plus strand (G>T on the coding strand, the complement: KCNQ3 is on the minus strand). VCF-style: chr8-132129551-C-A. GRCh37 (hg19) VCF-style: chr8-133141798-C-A.
Other names: c.1970G>T, p.Arg657Leu (NM_001204824.2); short protein forms R657L, R777L.
Identifiers: ClinVar variation 2580003 (VCV002580003.1), dbSNP rs201328910, ClinGen allele CA372216123.
Genomic context (GRCh38, chr8:132,129,551, plus strand): 5'-TGGTTGACCGACATCAGGGACAGAGGTGTGTCACTGTCTCGCGTGATGCTACGTCTCTGC[C>A]GGGGGGAGATTCGGTCCGAGTAGGGGCCCTGCAGGTCAGCCTGGGAGTGGCAGCTCACTC-3'
Protein context (NP_004510.1, residues 767-787): QGPYSDRISP[Arg777Leu]QRRSITRDSD

ClinVar aggregate classification (germline): Uncertain significance (1 of 4 stars; one submission).

Submission:

GeneDx
Classification: Uncertain significance. Last evaluated: 2023-03-13. Review status: criteria provided, single submitter. Criteria: GeneDx Variant Classification Process June 2021. Collection method: clinical testing. Allele origin: germline. Affected: yes.
Comment: Not observed at significant frequency in large population cohorts (gnomAD); In silico analysis supports that this missense variant does not alter protein structure/function; Has not been previously published as pathogenic or benign to our knowledge